The following is an entry in ClinVar:

ClinVar aggregate classification (germline): Uncertain significance (1 of 4 stars; one submission).

Conditions:
Inborn genetic diseases. Identifiers: MedGen C0950123, MeSH D030342.

Submission:

Ambry Genetics
Classification: Uncertain significance for Inborn genetic diseases. Last evaluated: 2025-03-28. Review status: criteria provided, single submitter. Criteria: Ambry Variant Classification Scheme 2023. Collection method: clinical testing. Allele origin: germline.
Comment: The p.T88I variant (also known as c.263C>T), located in coding exon 1 of the KDM1A gene, results from a C to T substitution at nucleotide position 263. The threonine at codon 88 is replaced by isoleucine, an amino acid with similar properties. This amino acid position is conserved. In addition, this alteration is predicted to be tolerated by in silico analysis. Based on the available evidence, the clinical significance of this variant remains unclear.

NM_001009999.3(KDM1A):c.263C>T (p.Thr88Ile)

Gene: KDM1A (lysine demethylase 1A; plus strand). Cytogenetic location: 1p36.12.
Variant type: single nucleotide variant.
Coding change: c.263C>T on transcript NM_001009999.3 (MANE Select); coding-DNA position 263, C replaced by T.
Protein change: p.Thr88Ile; replaces threonine 88 with isoleucine.
Molecular consequence: missense variant.
Genome position (GRCh38, 1-based): chr1:23,019,859, C>T. VCF-style: chr1-23019859-C-T. GRCh37 (hg19) VCF-style: chr1-23346352-C-T.
Other names: c.263C>T, p.Thr88Ile (NM_001363654.2, NM_001410762.1, NM_001410763.1 and 1 more transcripts); short protein forms T88I.
Identifiers: ClinVar variation 4042066 (VCV004042066.1).
Genomic context (GRCh38, chr1:23,019,859, plus strand): 5'-CCTCGCCCCCCGGGGGCCTGGCGGAACCGCCGGGGTCCGCAGGGCCTCAGGCCGGCCCTA[C>T]TGTCGTGCCTGGGTCTGCGACCCCCATGGAAACTGGAATAGCAGAGACTCCGGAGGGGCG-3'
Protein context (NP_001009999.1, residues 78-98): PGSAGPQAGP[Thr88Ile]VVPGSATPME